The following is an entry in ClinVar:

ClinVar aggregate classification (germline): Uncertain significance (1 of 4 stars; one submission).

Conditions:
Hereditary cancer-predisposing syndrome. Also called: Neoplastic Syndromes, Hereditary; Tumor predisposition; Hereditary Cancer Syndrome; Hereditary neoplastic syndrome. Identifiers: Orphanet 140162, MedGen C0027672, MeSH D009386, MONDO:0015356.

Submission:

Ambry Genetics
Classification: Uncertain significance for Hereditary cancer-predisposing syndrome. Last evaluated: 2026-07-10. Review status: criteria provided, single submitter. Criteria: Ambry Variant Classification Scheme 2023. Collection method: clinical testing. Allele origin: germline.
Comment: The p.Y651H variant (also known as c.1951T>C), located in coding exon 19 of the RB1 gene, results from a T to C substitution at nucleotide position 1951. The tyrosine at codon 651 is replaced by histidine, an amino acid with similar properties. This amino acid position is highly conserved in available vertebrate species. In addition, this alteration is predicted to be deleterious by in silico analysis. Based on the available evidence, the clinical significance of this variant remains unclear.

NM_000321.3(RB1):c.1951T>C (p.Tyr651His)

Gene: RB1 (RB transcriptional corepressor 1; plus strand). Cytogenetic location: 13q14.2.
Variant type: single nucleotide variant.
Coding change: c.1951T>C on transcript NM_000321.3 (MANE Select); coding-DNA position 1951, T replaced by C.
Protein change: p.Tyr651His; replaces tyrosine 651 with histidine.
Molecular consequence: missense variant.
Genome position (GRCh38, 1-based): chr13:48,456,340, T>C. VCF-style: chr13-48456340-T-C. GRCh37 (hg19) VCF-style: chr13-49030476-T-C.
Other names: c.1951T>C, p.Tyr651His (NM_001407165.1); short protein forms Y651H.
Identifiers: ClinVar variation 4151208 (VCV004151208.2).